The following is an entry in ClinVar:

NM_001385.3(DPYS):c.199C>T (p.His67Tyr)

Gene: DPYS (dihydropyrimidinase; minus strand). Cytogenetic location: 8q22.3.
Variant type: single nucleotide variant.
Coding change: c.199C>T on transcript NM_001385.3 (MANE Select); coding-DNA position 199, C replaced by T.
Protein change: p.His67Tyr; replaces histidine 67 with tyrosine.
Molecular consequence: missense variant.
Genome position (GRCh38, 1-based): chr8:104,466,722, G>A on the plus strand (C>T on the coding strand, the complement: DPYS is on the minus strand). VCF-style: chr8-104466722-G-A. GRCh37 (hg19) VCF-style: chr8-105478950-G-A.
Other names: short protein forms H67Y.
Identifiers: ClinVar variation 1446187 (VCV001446187.6), dbSNP rs917681019, ClinGen allele CA371939170.

ClinVar aggregate classification (germline): Uncertain significance (1 of 4 stars; one submission).

Submission:

Labcorp Genetics (formerly Invitae), Labcorp
Classification: Uncertain significance. Last evaluated: 2025-09-02. Review status: criteria provided, single submitter. Criteria: Invitae Variant Classification Sherloc (09022015). Collection method: clinical testing. Allele origin: germline.
Comment: This sequence change replaces histidine, which is basic and polar, with tyrosine, which is neutral and polar, at codon 67 of the DPYS protein (p.His67Tyr). This variant is not present in population databases (gnomAD no frequency). This variant has not been reported in the literature in individuals affected with DPYS-related conditions. ClinVar contains an entry for this variant (Variation ID: 1446187). Invitae Evidence Modeling of protein sequence and biophysical properties (such as structural, functional, and spatial information, amino acid conservation, physicochemical variation, residue mobility, and thermodynamic stability) has been performed for this missense variant. However, the output from this modeling did not meet the statistical confidence thresholds required to predict the impact of this variant on DPYS protein function. In summary, the available evidence is currently insufficient to determine the role of this variant in disease. Therefore, it has been classified as a Variant of Uncertain Significance.